The following is an entry in ClinVar:

ClinVar aggregate classification (germline): Uncertain significance (1 of 4 stars; one submission).

Conditions:
ALG1-congenital disorder of glycosylation. Also called: CDG Ik; ALG1-CDG; CONGENITAL DISORDER OF GLYCOSYLATION, TYPE Ik. Identifiers: Orphanet 79327, MedGen C2931005, MONDO:0012052, OMIM 608540.

Allele frequency attached by ClinVar (database versions not stated): ExAC 0.00002.
gnomAD v4.1: 3 of 1,597,826 alleles (0.00019%); highest among the groups gnomAD compares: East Asian, 0.0067%; no homozygotes.

Submission:

Labcorp Genetics (formerly Invitae), Labcorp
Classification: Uncertain significance for ALG1-congenital disorder of glycosylation. Last evaluated: 2022-06-28. Review status: criteria provided, single submitter. Criteria: Invitae Variant Classification Sherloc (09022015). Collection method: clinical testing. Allele origin: germline.
Comment: This sequence change replaces alanine, which is neutral and non-polar, with serine, which is neutral and polar, at codon 418 of the ALG1 protein (p.Ala418Ser). This variant is present in population databases (rs762024028, gnomAD 0.02%). This variant has not been reported in the literature in individuals affected with ALG1-related conditions. Advanced modeling of protein sequence and biophysical properties (such as structural, functional, and spatial information, amino acid conservation, physicochemical variation, residue mobility, and thermodynamic stability) performed at Invitae indicates that this missense variant is not expected to disrupt ALG1 protein function. In summary, the available evidence is currently insufficient to determine the role of this variant in disease. Therefore, it has been classified as a Variant of Uncertain Significance.

NM_019109.5(ALG1):c.1252G>T (p.Ala418Ser)

Gene: ALG1 (ALG1 chitobiosyldiphosphodolichol beta-mannosyltransferase; plus strand). Cytogenetic location: 16p13.3.
Variant type: single nucleotide variant.
Coding change: c.1252G>T on transcript NM_019109.5 (MANE Select); coding-DNA position 1252, G replaced by T.
Protein change: p.Ala418Ser; replaces alanine 418 with serine.
Molecular consequence: missense variant.
Genome position (GRCh38, 1-based): chr16:5,083,746, G>T. VCF-style: chr16-5083746-G-T. GRCh37 (hg19) VCF-style: chr16-5133747-G-T.
Other names: c.919G>T, p.Ala307Ser (NM_001330504.2); short protein forms A307S, A418S.
Identifiers: ClinVar variation 2118824 (VCV002118824.1), dbSNP rs762024028, ClinGen allele CA7890290.
Genomic context (GRCh38, chr16:5,083,746, plus strand): 5'-CATGAGCTGGTGAAACATGAAGAAAATGGCCTGGTCTTTGAGGACTCAGAGGAACTGGCA[G>T]CTCAGCTGCAGGTAGCCACGTCTGCCACCACGCCAGGGTGGGGAGGGTTCTGGAGACTGG-3'
Protein context (NP_061982.3, residues 408-428): LVFEDSEELA[Ala418Ser]QLQMLFSNFP